The following is an entry in ClinVar:

NM_000492.4(CFTR):c.3059T>C (p.Val1020Ala)

Genes: CFTR (CF transmembrane conductance regulator; plus strand), CFTR-AS2 (CFTR antisense RNA 2; minus strand), LOC111674472 (DNase I hypersensitive sites in introns 16 and 17a of CFTR; plus strand). Cytogenetic location: 7q31.2.
Variant type: single nucleotide variant.
Coding change: c.3059T>C on transcript NM_000492.4 (MANE Select); coding-DNA position 3059, T replaced by C.
Protein change: p.Val1020Ala; replaces valine 1020 with alanine.
Molecular consequence: missense variant.
Genome position (GRCh38, 1-based): chr7:117,610,589, T>C. VCF-style: chr7-117610589-T-C. GRCh37 (hg19) VCF-style: chr7-117250643-T-C.
Other names: short protein forms V1020A.
Identifiers: ClinVar variation 4855070 (VCV004855070.1).

ClinVar aggregate classification (germline): Uncertain significance (1 of 4 stars; one submission).

Conditions:
CFTR-related disorder (CFTR-RD). Also called: CFTR-related disorders; CFTR-related condition. Identifiers: MedGen C5924204, MONDO:7770004.

Submission:

3billion
Classification: Uncertain significance for CFTR-related disorder. Last evaluated: 2025-09-30. Review status: criteria provided, single submitter. Criteria: ACMG Guidelines, 2015. Collection method: clinical testing. Allele origin: germline. Affected: yes.
Comment: The variant is not observed in the gnomAD v4.1.0 dataset. Predicted Consequence/Location: Missense variant In silico tool predictions suggest damaging effect of the variant on gene or gene product [REVEL: 0.60 (>=0.6, sensitivity 0.68 and specificity 0.92); 3Cnet: 0.62 (> 0.75, sensitivity 0.96 and precision 0.92)]. Therefore, this variant is classified as VUS according to the recommendation of ACMG/AMP guideline.